The following is an entry in ClinVar:

ClinVar aggregate classification (germline): Uncertain significance (1 of 4 stars; one submission).

Conditions:
Dilated cardiomyopathy 1II (CMD1II). Identifiers: Orphanet 154, MedGen C3554649, MONDO:0014073, OMIM 615184.

Allele frequency attached by ClinVar (database versions not stated): gnomAD 0.00001.
gnomAD v4.1: 1 of 1,612,446 alleles (0.000062%); highest among the groups gnomAD compares: African/African-American, 0.0013%; no homozygotes.

Submission:

Labcorp Genetics (formerly Invitae), Labcorp
Classification: Uncertain significance for Dilated cardiomyopathy 1II. Last evaluated: 2023-10-03. Review status: criteria provided, single submitter. Criteria: Invitae Variant Classification Sherloc (09022015). Collection method: clinical testing. Allele origin: germline.
Comment: This sequence change replaces proline, which is neutral and non-polar, with histidine, which is basic and polar, at codon 58 of the CRYAB protein (p.Pro58His). This variant is not present in population databases (gnomAD no frequency). This variant has not been reported in the literature in individuals affected with CRYAB-related conditions. An algorithm developed to predict the effect of missense changes on protein structure and function (PolyPhen-2) suggests that this variant is likely to be disruptive. In summary, the available evidence is currently insufficient to determine the role of this variant in disease. Therefore, it has been classified as a Variant of Uncertain Significance.

NM_001289808.2(CRYAB):c.173C>A (p.Pro58His)

Gene: CRYAB (crystallin alpha B; minus strand). Cytogenetic location: 11q23.1.
Variant type: single nucleotide variant.
Coding change: c.173C>A on transcript NM_001289808.2 (MANE Select); coding-DNA position 173, C replaced by A.
Protein change: p.Pro58His; replaces proline 58 with histidine.
Molecular consequence: missense variant.
Genome position (GRCh38, 1-based): chr11:111,911,552, G>T on the plus strand (C>A on the coding strand, the complement: CRYAB is on the minus strand). VCF-style: chr11-111911552-G-T. GRCh37 (hg19) VCF-style: chr11-111782276-G-T.
Other names: c.173C>A, p.Pro58His (NM_001289807.1, NM_001368245.1, NM_001885.3); short protein forms P58H.
Identifiers: ClinVar variation 2865559 (VCV002865559.3), dbSNP rs1965454605, ClinGen allele CA382600222.